The following is an entry in ClinVar:

ClinVar aggregate classification (germline): Uncertain significance (1 of 4 stars; one submission).

Conditions:
Hereditary cancer-predisposing syndrome. Also called: Hereditary Cancer Syndrome; Hereditary neoplastic syndrome; Tumor predisposition; Neoplastic Syndromes, Hereditary. Identifiers: Orphanet 140162, MedGen C0027672, MeSH D009386, MONDO:0015356.

Submission:

Ambry Genetics
Classification: Uncertain significance for Hereditary cancer-predisposing syndrome. Last evaluated: 2024-09-16. Review status: criteria provided, single submitter. Criteria: Ambry Variant Classification Scheme 2023. Collection method: clinical testing. Allele origin: germline.
Comment: The p.C83F variant (also known as c.248G>T), located in coding exon 3 of the BARD1 gene, results from a G to T substitution at nucleotide position 248. The cysteine at codon 83 is replaced by phenylalanine, an amino acid with highly dissimilar properties. This amino acid position is conserved. In addition, this alteration is predicted to be deleterious by in silico analysis. Since supporting evidence is limited at this time, the clinical significance of this alteration remains unclear.

NM_000465.4(BARD1):c.248G>T (p.Cys83Phe)

Gene: BARD1 (BRCA1 associated RING domain 1; minus strand). Cytogenetic location: 2q35.
Variant type: single nucleotide variant.
Coding change: c.248G>T on transcript NM_000465.4 (MANE Select); coding-DNA position 248, G replaced by T.
Protein change: p.Cys83Phe; replaces cysteine 83 with phenylalanine.
Molecular consequence: missense variant. On other transcripts: non-coding transcript variant (1), intron variant (2).
Genome position (GRCh38, 1-based): chr2:214,792,413, C>A on the plus strand (G>T on the coding strand, the complement: BARD1 is on the minus strand). VCF-style: chr2-214792413-C-A. GRCh37 (hg19) VCF-style: chr2-215657137-C-A.
Other names: c.191G>T, p.Cys64Phe (NM_001282543.2); c.248G>T, p.Cys83Phe (NM_001282549.2); c.158+16999G>T (NM_001282548.2); c.215+4648G>T (NM_001282545.2); short protein forms C64F, C83F.
Identifiers: ClinVar variation 1792050 (VCV001792050.3), dbSNP rs2106135252, ClinGen allele CA350461224.